The following is an entry in ClinVar:

ClinVar aggregate classification (germline): Uncertain significance (1 of 4 stars; one submission).

Conditions:
Amyotrophic lateral sclerosis type 1 (ALS1). Also called: AMYOTROPHIC LATERAL SCLEROSIS 1, FAMILIAL. Identifiers: Orphanet 803, MedGen C1862939, MONDO:0007103, OMIM 105400.
Perry syndrome. Also called: PARKINSONISM WITH ALVEOLAR HYPOVENTILATION AND MENTAL DEPRESSION. Identifiers: Orphanet 178509, MedGen C1868594, MONDO:0008201, OMIM 168605.
Neuronopathy, distal hereditary motor, type 7B. Also called: Distal Hereditary Motor Neuronopathy Type 7B (dHMN7B); NEURONOPATHY, DISTAL HEREDITARY MOTOR, AUTOSOMAL DOMINANT 14; NEURONOPATHY, DISTAL HEREDITARY MOTOR, HARDING TYPE VIIB; NEUROPATHY, DISTAL HEREDITARY MOTOR, HARDING TYPE VIIB; NEUROPATHY, DISTAL HEREDITARY MOTOR, WITH VOCAL CORD PARALYSIS, HARDING TYPE VIIB; HMN VIIB. Identifiers: Orphanet 139589, MedGen C1843315, MONDO:0011879, OMIM 607641.

Submission:

Labcorp Genetics (formerly Invitae), Labcorp
Classification: Uncertain significance for Amyotrophic lateral sclerosis type 1; Neuronopathy, distal hereditary motor, type 7B; Perry syndrome. Last evaluated: 2025-08-17. Review status: criteria provided, single submitter. Criteria: Invitae Variant Classification Sherloc (09022015). Collection method: clinical testing. Allele origin: germline.
Comment: This sequence change replaces proline, which is neutral and non-polar, with serine, which is neutral and polar, at codon 1215 of the DCTN1 protein (p.Pro1215Ser). This variant is not present in population databases (gnomAD no frequency). This variant has not been reported in the literature in individuals affected with DCTN1-related conditions. ClinVar contains an entry for this variant (Variation ID: 657312). Invitae Evidence Modeling of protein sequence and biophysical properties (such as structural, functional, and spatial information, amino acid conservation, physicochemical variation, residue mobility, and thermodynamic stability) indicates that this missense variant is not expected to disrupt DCTN1 protein function with a negative predictive value of 95%. In summary, the available evidence is currently insufficient to determine the role of this variant in disease. Therefore, it has been classified as a Variant of Uncertain Significance.

NM_004082.5(DCTN1):c.3643C>T (p.Pro1215Ser)

Gene: DCTN1 (dynactin subunit 1; minus strand). Cytogenetic location: 2p13.1.
Variant type: single nucleotide variant.
Coding change: c.3643C>T on transcript NM_004082.5 (MANE Select); coding-DNA position 3643, C replaced by T.
Protein change: p.Pro1215Ser; replaces proline 1215 with serine.
Molecular consequence: missense variant. On other transcripts: non-coding transcript variant (1).
Genome position (GRCh38, 1-based): chr2:74,362,108, G>A on the plus strand (C>T on the coding strand, the complement: DCTN1 is on the minus strand). VCF-style: chr2-74362108-G-A. GRCh37 (hg19) VCF-style: chr2-74589235-G-A.
Other names: c.3568C>T, p.Pro1190Ser (NM_001135040.3); c.3226C>T, p.Pro1076Ser (NM_001135041.3); c.3517C>T, p.Pro1173Ser (NM_001190836.2); c.3622C>T, p.Pro1208Ser (NM_001190837.2); c.3592C>T, p.Pro1198Ser (NM_001378991.1); c.3574C>T, p.Pro1192Ser (NM_001378992.1); c.3241C>T, p.Pro1081Ser (NM_023019.4); short protein forms P1076S, P1173S, P1208S, P1190S, P1215S, P1081S, P1192S, P1198S.
Identifiers: ClinVar variation 657312 (VCV000657312.9), dbSNP rs184147813, ClinGen allele CA347334968.